The following is an entry in ClinVar:

NM_001374504.1(TMPRSS6):c.183G>A (p.Val61=)

Gene: TMPRSS6 (transmembrane serine protease 6; minus strand). Cytogenetic location: 22q12.3.
Variant type: single nucleotide variant.
Coding change: c.183G>A on transcript NM_001374504.1 (MANE Select); coding-DNA position 183, G replaced by A.
Protein change: p.Val61=; no amino-acid change (valine 61 retained).
Molecular consequence: synonymous variant.
Genome position (GRCh38, 1-based): chr22:37,103,235, C>T on the plus strand (G>A on the coding strand, the complement: TMPRSS6 is on the minus strand). VCF-style: chr22-37103235-C-T. GRCh37 (hg19) VCF-style: chr22-37499275-C-T.
Other names: p.Val70=; c.183G>A, p.Val61= (NM_001289000.2, NM_001289001.2, NM_153609.4); c.210G>A (NM_153609.3).
Identifiers: ClinVar variation 900684 (VCV000900684.37), dbSNP rs150521260, ClinGen allele CA10216173.

ClinVar aggregate classification (germline): Conflicting classifications of pathogenicity. Review status: criteria provided, conflicting classifications (1 of 4 stars). 5 submissions from 5 submitters: Uncertain significance (1); Benign (1); Likely benign (3). Last evaluated 2025-11-25.

Conditions:
Microcytic anemia. Identifiers: MedGen C5194182, MONDO:0001245, HP:0001935. Disease mechanism: loss of function.

Allele frequency attached by ClinVar (database versions not stated): gnomAD exomes 0.00084 and 0.00104; gnomAD 0.00086 and 0.00080; TOPMed 0.00088; 1000 Genomes Project 30x 0.00047; 1000 Genomes Project 0.00060; ExAC 0.00069; ESP Exome Variant Server 0.00069.
gnomAD v4.1: 1,644 of 1,614,016 alleles (0.1%); highest among the groups gnomAD compares: Admixed American, 0.12%; 2 homozygotes.

Submissions (5):

Labcorp Genetics (formerly Invitae), Labcorp
Classification: Benign. Last evaluated: 2025-11-25. Review status: criteria provided, single submitter. Criteria: Invitae Variant Classification Sherloc (09022015). Collection method: clinical testing. Allele origin: germline.

Mayo Clinic Laboratories, Mayo Clinic
Classification: Likely benign. Last evaluated: 2025-02-19. Review status: criteria provided, single submitter. Criteria: ACMG Guidelines, 2015. Collection method: clinical testing. Allele origin: germline. Observed: 1 variant allele.
Comment: BP4, BP7

Blueprint Genetics
Classification: Likely benign. Last evaluated: 2024-11-27. Review status: criteria provided, single submitter. Criteria: ACMG Guidelines, 2015. Collection method: clinical testing. Allele origin: germline.

CeGaT Center for Human Genetics Tuebingen
Classification: Likely benign. Last evaluated: 2024-06-01. Review status: criteria provided, single submitter. Criteria: CeGaT Center For Human Genetics Tuebingen Variant Classification Criteria Version 2. Collection method: clinical testing. Allele origin: germline. Affected: yes. Observed: 2 variant alleles.
Comment: TMPRSS6: BP4, BP7

Illumina Laboratory Services, Illumina
Classification: Uncertain significance for Iron-refractory iron deficiency anemia. Last evaluated: 2018-01-12. Review status: criteria provided, single submitter. Criteria: ICSL Variant Classification Criteria 13 December 2019. Collection method: clinical testing. Allele origin: germline.

Literature cited by the submitters: PubMed 35893046 (cited by Mayo Clinic Laboratories, Mayo Clinic).